The following is an entry in ClinVar:

NM_001366521.1(ATP2B1):c.1907_1908del (p.Val636fs)

Gene: ATP2B1 (ATPase plasma membrane Ca2+ transporting 1; minus strand). Cytogenetic location: 12q21.33.
Variant type: Microsatellite.
Coding change: c.1907_1908del on transcript NM_001366521.1 (MANE Select); coding-DNA positions 1907 to 1908, 2 bases deleted (TG; older notation c.1907_1908delTG).
Protein change: p.Val636fs; shifts the reading frame from valine 636.
Molecular consequence: frameshift variant.
Genome position (GRCh38, 1-based): chr12:89,616,961-89,616,962, CA deleted on the plus strand (TG on the coding strand, the reverse complement: ATP2B1 is on the minus strand); deleting any 2 consecutive bases within chr12:89,616,961-89,616,964 gives the same sequence; the c. name uses the placement nearest the transcript's 3' end. VCF-style (leftmost placement, unchanged base first): chr12-89616960-TCA-T. GRCh37 (hg19) VCF-style: chr12-90010737-TCA-T.
Other names: c.1907_1908delTG (NM_001682.3); c.1907_1908del, p.Val636fs (NM_001001323.2, NM_001366520.1, NM_001366522.1 and 8 more transcripts); c.1709_1710del, p.Val570fs (NM_001366530.1); c.1346_1347del, p.Val449fs (NM_001366531.1, NM_001366532.1); short protein forms V449fs, V570fs, V636fs.
Identifiers: ClinVar variation 1684514 (VCV001684514.2), dbSNP rs2136050284, ClinGen allele CA2580616834.
Genomic context (GRCh38, chr12:89,616,960, plus strand): 5'-CTGGAAAATCTCTGAATGCAAGACATATGGTTCTCAAGCCTTCTGATGCCATCGGTTCAA[TCA>T]CAGTTTTTACAATATCATCACGGTCCCTTGGTCTGAATACTTTTGCCTCACCATTAGCAC-3'

ClinVar aggregate classification (germline): Likely pathogenic (1 of 4 stars; one submission).

Conditions:
Intellectual developmental disorder, autosomal dominant 66. Also called: MENTAL RETARDATION, AUTOSOMAL DOMINANT 66. Identifiers: MedGen C5677000, MONDO:0030891, OMIM 619910.

Submission:

HudsonAlpha Institute for Biotechnology
Classification: Likely pathogenic for Intellectual developmental disorder, autosomal dominant 66. Last evaluated: 2022-10-28. Review status: criteria provided, single submitter. Criteria: ACMG Guidelines, 2015. Collection method: research. Allele origin: unknown. Inheritance: Autosomal dominant inheritance. Observed: 1 variant allele. Study: HudsonAlpha-AGHI-WGS.
Comment: ACMG codes: PVS1, PM2

Literature cited by the submitters: PubMed 35358416.